The following is an entry in ClinVar:

ClinVar aggregate classification (germline): Uncertain significance (1 of 4 stars; one submission).

Conditions:
Baller-Gerold syndrome (BGS). Also called: CRANIOSYNOSTOSIS WITH RADIAL DEFECTS. Identifiers: Orphanet 1225, MedGen C0265308, MONDO:0009039, OMIM 218600.

Allele frequency attached by ClinVar (database versions not stated): gnomAD 0.00002; TOPMed 0.00002; ExAC 0.00003.
gnomAD v4.1: 11 of 1,603,266 alleles (0.00069%); highest among the groups gnomAD compares: African/African-American, 0.004%; no homozygotes.

Submission:

Labcorp Genetics (formerly Invitae), Labcorp
Classification: Uncertain significance for Baller-Gerold syndrome. Last evaluated: 2024-01-02. Review status: criteria provided, single submitter. Criteria: Invitae Variant Classification Sherloc (09022015). Collection method: clinical testing. Allele origin: germline.
Comment: This sequence change replaces arginine, which is basic and polar, with tryptophan, which is neutral and slightly polar, at codon 784 of the RECQL4 protein (p.Arg784Trp). The frequency data for this variant in the population databases is considered unreliable, as metrics indicate poor data quality at this position in the gnomAD database. This variant has not been reported in the literature in individuals affected with RECQL4-related conditions. ClinVar contains an entry for this variant (Variation ID: 528966). Advanced modeling of protein sequence and biophysical properties (such as structural, functional, and spatial information, amino acid conservation, physicochemical variation, residue mobility, and thermodynamic stability) performed at Invitae indicates that this missense variant is expected to disrupt RECQL4 protein function with a positive predictive value of 80%. In summary, the available evidence is currently insufficient to determine the role of this variant in disease. Therefore, it has been classified as a Variant of Uncertain Significance.

NM_004260.4(RECQL4):c.2350C>T (p.Arg784Trp)

Gene: RECQL4 (RecQ like helicase 4; minus strand). Cytogenetic location: 8q24.3.
Variant type: single nucleotide variant.
Coding change: c.2350C>T on transcript NM_004260.4 (MANE Select); coding-DNA position 2350, C replaced by T.
Protein change: p.Arg784Trp; replaces arginine 784 with tryptophan.
Molecular consequence: missense variant.
Genome position (GRCh38, 1-based): chr8:144,513,331, G>A on the plus strand (C>T on the coding strand, the complement: RECQL4 is on the minus strand). VCF-style: chr8-144513331-G-A. GRCh37 (hg19) VCF-style: chr8-145738714-G-A.
Other names: short protein forms R784W.
Identifiers: ClinVar variation 528966 (VCV000528966.4), dbSNP rs753386714, ClinGen allele CA4948322.